The following is an entry in ClinVar:

NM_019066.5(MAGEL2):c.2012C>T (p.Ser671Leu)

Gene: MAGEL2 (MAGE family member L2; minus strand). Cytogenetic location: 15q11.2.
Variant type: single nucleotide variant.
Coding change: c.2012C>T on transcript NM_019066.5 (MANE Select); coding-DNA position 2012, C replaced by T.
Protein change: p.Ser671Leu; replaces serine 671 with leucine.
Molecular consequence: missense variant.
Genome position (GRCh38, 1-based): chr15:23,645,731, G>A on the plus strand (C>T on the coding strand, the complement: MAGEL2 is on the minus strand). VCF-style: chr15-23645731-G-A. GRCh37 (hg19) VCF-style: chr15-23890878-G-A.
Other names: short protein forms S671L.
Identifiers: ClinVar variation 1691643 (VCV001691643.12), dbSNP rs534021588, ClinGen allele CA7429977.

ClinVar aggregate classification (germline): Uncertain significance. Review status: criteria provided, multiple submitters, no conflicts (2 of 4 stars). 5 submissions from 5 submitters: Uncertain significance (5). Last evaluated 2026-04-17.

Conditions:
Inborn genetic diseases. Identifiers: MedGen C0950123, MeSH D030342.
MAGEL2-related disorder. Also called: MAGEL2-related condition.

Allele frequency attached by ClinVar (database versions not stated): gnomAD 0.00001; gnomAD exomes 0.00001 and 0.00002; ExAC 0.00002; 1000 Genomes Project 30x 0.00016; 1000 Genomes Project 0.00020.
gnomAD v4.1: 8 of 1,565,976 alleles (0.00051%); highest among the groups gnomAD compares: Middle Eastern, 0.017%; no homozygotes.

Submissions (5):

Women's Health and Genetics/Laboratory Corporation of America, LabCorp
Classification: Uncertain significance. Last evaluated: 2026-04-17. Review status: criteria provided, single submitter. Criteria: LabCorp Variant Classification Summary - May 2015. Collection method: clinical testing. Allele origin: germline.
Comment: Variant summary: MAGEL2 c.2012C>T (p.Ser671Leu) results in a non-conservative amino acid change in the encoded protein sequence. Algorithms developed to predict the effect of missense changes on protein structure and function are either unavailable or do not agree on the potential impact of this missense change. The variant allele was found at a frequency of 1.6e-05 in 186638 control chromosomes. The available data on variant occurrences in the general population are insufficient to allow any conclusion about variant significance. To our knowledge, no occurrence of c.2012C>T in individuals affected with MAGEL2-related conditions and no experimental evidence demonstrating its impact on protein function have been reported. ClinVar contains an entry for this variant (Variation ID: 1691643). Based on the evidence outlined above, the variant was classified as uncertain significance.

PreventionGenetics, part of Exact Sciences
Classification: Uncertain significance for MAGEL2-related condition. Last evaluated: 2025-10-13. Review status: criteria provided, single submitter. Criteria: ACMG Guidelines, 2015. Collection method: clinical testing. Allele origin: germline.
Comment: The MAGEL2 c.2012C>T variant is predicted to result in the amino acid substitution p.Ser671Leu. To our knowledge, this variant has not been reported in the literature. This variant is reported in 0.0096% of alleles in individuals of South Asian descent in gnomAD. At this time, the clinical significance of this variant is uncertain due to the absence of conclusive functional and genetic evidence.

Ambry Genetics
Classification: Uncertain significance for Inborn genetic diseases. Last evaluated: 2025-04-13. Review status: criteria provided, single submitter. Criteria: Ambry Variant Classification Scheme 2023. Collection method: clinical testing. Allele origin: germline.

Labcorp Genetics (formerly Invitae), Labcorp
Classification: Uncertain significance. Last evaluated: 2024-10-23. Review status: criteria provided, single submitter. Criteria: Invitae Variant Classification Sherloc (09022015). Collection method: clinical testing. Allele origin: germline.
Comment: This sequence change replaces serine, which is neutral and polar, with leucine, which is neutral and non-polar, at codon 671 of the MAGEL2 protein (p.Ser671Leu). The frequency data for this variant in the population databases is considered unreliable, as metrics indicate poor data quality at this position in the gnomAD database. This variant has not been reported in the literature in individuals affected with MAGEL2-related conditions. ClinVar contains an entry for this variant (Variation ID: 1691643). Invitae Evidence Modeling of protein sequence and biophysical properties (such as structural, functional, and spatial information, amino acid conservation, physicochemical variation, residue mobility, and thermodynamic stability) indicates that this missense variant is not expected to disrupt MAGEL2 protein function with a negative predictive value of 80%. In summary, the available evidence is currently insufficient to determine the role of this variant in disease. Therefore, it has been classified as a Variant of Uncertain Significance.

GeneDx
Classification: Uncertain significance. Last evaluated: 2024-06-26. Review status: criteria provided, single submitter. Criteria: GeneDx Variant Classification Process June 2021. Collection method: clinical testing. Allele origin: germline. Affected: yes.
Comment: In silico analysis indicates that this missense variant does not alter protein structure/function; Has not been previously published as pathogenic or benign to our knowledge